The following is an entry in ClinVar:

ClinVar aggregate classification (germline): Likely benign. Review status: criteria provided, multiple submitters, no conflicts (2 of 4 stars). 3 submissions from 3 submitters: Likely benign (3). Last evaluated 2024-09-16.

Conditions:
Hereditary diffuse gastric adenocarcinoma (HDGC). Also called: DIFFUSE GASTRIC AND LOBULAR BREAST CANCER SYNDROME. Identifiers: Orphanet 26106, MedGen C1708349, MONDO:0007648, OMIM 137215.

Allele frequency attached by ClinVar (database versions not stated): gnomAD 0.00001.
gnomAD v4.1: 1 of 1,612,670 alleles (0.000062%); highest among the groups gnomAD compares: Non-Finnish European, 0.000085%; no homozygotes.

Submissions (3):

Myriad Genetics, Inc.
Classification: Likely benign for Hereditary diffuse gastric adenocarcinoma. Last evaluated: 2024-09-16. Review status: criteria provided, single submitter. Criteria: Myriad Autosomal Dominant, Autosomal Recessive and X-Linked Classification Criteria (2023). Collection method: clinical testing. Allele origin: unknown.
Comment: This variant is considered likely benign. This variant is intronic and is not expected to impact mRNA splicing.

Labcorp Genetics (formerly Invitae), Labcorp
Classification: Likely benign for Hereditary diffuse gastric adenocarcinoma. Last evaluated: 2024-08-12. Review status: criteria provided, single submitter. Criteria: Invitae Variant Classification Sherloc (09022015). Collection method: clinical testing. Allele origin: germline.

GeneDx
Classification: Likely benign. Last evaluated: 2015-11-05. Review status: criteria provided, single submitter. Criteria: GeneDx Variant Classification (06012015). Collection method: clinical testing. Allele origin: germline. Affected: yes.
Comment: This variant is considered likely benign or benign based on one or more of the following criteria: it is a conservative change, it occurs at a poorly conserved position in the protein, it is predicted to be benign by multiple in silico algorithms, and/or has population frequency not consistent with disease.

NM_004360.5(CDH1):c.833-20A>T

Gene: CDH1 (cadherin 1; plus strand). Cytogenetic location: 16q22.1.
Variant type: single nucleotide variant.
Coding change: c.833-20A>T on transcript NM_004360.5 (MANE Select); 20 bases into the intron before coding-DNA position 833, A replaced by T.
Molecular consequence: intron variant.
Genome position (GRCh38, 1-based): chr16:68,811,664, A>T. VCF-style: chr16-68811664-A-T. GRCh37 (hg19) VCF-style: chr16-68845567-A-T.
Other names: c.-987-20A>T (NM_001317186.2); c.833-20A>T (NM_001317184.2, LRG_301t1); c.-783-20A>T (NM_001317185.2).
Identifiers: ClinVar variation 381349 (VCV000381349.5), dbSNP rs1057521024, ClinGen allele CA16608242.